The following is an entry in ClinVar:

ClinVar aggregate classification (germline): Conflicting classifications of pathogenicity. Review status: criteria provided, conflicting classifications (1 of 4 stars). 2 submissions from 2 submitters: Uncertain significance (1); Likely benign (1). Last evaluated 2025-01-23.

Conditions:
Cardiac arrhythmia. Also called: Arrhythmia; Cardiac rhythm disease. Identifiers: MedGen C0003811, MONDO:0007263, HP:0011675.
Long QT syndrome (LQTS). Identifiers: MedGen C0023976, MeSH D008133, MONDO:0002442. Disease mechanism: loss of function. Inheritance: Various modes of inheritance.

Allele frequency attached by ClinVar (database versions not stated): gnomAD exomes below 0.00001.
gnomAD v4.1: 5 of 1,566,830 alleles (0.00032%); highest among the groups gnomAD compares: Non-Finnish European, 0.00043%; no homozygotes.

Submissions (2):

Labcorp Genetics (formerly Invitae), Labcorp
Classification: Likely benign for Long QT syndrome. Last evaluated: 2025-01-23. Review status: criteria provided, single submitter. Criteria: Invitae Variant Classification Sherloc (09022015). Collection method: clinical testing. Allele origin: germline.

Color Diagnostics, LLC DBA Color Health
Classification: Uncertain significance for Cardiac arrhythmia. Last evaluated: 2024-07-15. Review status: criteria provided, single submitter. Criteria: ACMG Guidelines, 2015. Collection method: clinical testing. Allele origin: germline.
Comment: This variant is located in the KCNQ1 protein. To our knowledge, functional studies have not been reported for this variant. This variant has not been reported in individuals affected with KCNQ1-related disorders in the literature. This variant has not been identified in the general population by the Genome Aggregation Database (gnomAD). The available evidence is insufficient to determine the role of this variant in disease conclusively. Therefore, this variant is classified as a Variant of Uncertain Significance.

NM_000218.3(KCNQ1):c.1665C>T (p.Arg555=)

Gene: KCNQ1 (potassium voltage-gated channel subfamily Q member 1; plus strand). Cytogenetic location: 11p15.5.
Variant type: single nucleotide variant.
Coding change: c.1665C>T on transcript NM_000218.3 (MANE Select); coding-DNA position 1665, C replaced by T.
Protein change: p.Arg555=; no amino-acid change (arginine 555 retained).
Molecular consequence: synonymous variant.
Genome position (GRCh38, 1-based): chr11:2,776,034, C>T. VCF-style: chr11-2776034-C-T. GRCh37 (hg19) VCF-style: chr11-2797264-C-T.
Other names: c.1569C>T, p.Arg523= (NM_001406836.1); c.1395C>T, p.Arg465= (NM_001406837.1); c.1125C>T, p.Arg375= (NM_001406838.1); c.1284C>T, p.Arg428= (NM_181798.2).
Identifiers: ClinVar variation 237224 (VCV000237224.14), dbSNP rs878853755, ClinGen allele CA10582886.